The following is an entry in ClinVar:

ClinVar aggregate classification (germline): Pathogenic/Likely pathogenic. Review status: criteria provided, multiple submitters, no conflicts (2 of 4 stars). 4 submissions from 4 submitters: Pathogenic (2); Likely pathogenic (1). 1 of the submissions does not count toward it. Last evaluated 2025-04-17.

Conditions:
Junctional epidermolysis bullosa. Identifiers: Orphanet 305, MedGen C0079301, MONDO:0017612.
Junctional epidermolysis bullosa with pyloric atresia. Also called: Epidermolysis bullosa, junctional, with pyloric atresia and aplasia cutis congenita; Epidermolysis bullosa junctionalis with pyloric atresia; APLASIA CUTIS CONGENITA WITH GASTROINTESTINAL ATRESIA; CARMI SYNDROME; EPIDERMOLYSIS BULLOSA, JUNCTIONAL 5B, WITH PYLORIC ATRESIA; EB-PA-ACC. Identifiers: Orphanet 79403, MedGen C5676875, MONDO:0009183, OMIM 226730.

Allele frequency attached by ClinVar (database versions not stated): gnomAD exomes below 0.00001; TOPMed below 0.00001.
gnomAD v4.1: 8 of 1,613,680 alleles (0.0005%); highest among the groups gnomAD compares: Non-Finnish European, 0.00068%; no homozygotes.

Submissions (4):

Women's Health and Genetics/Laboratory Corporation of America, LabCorp
Classification: Pathogenic for Junctional epidermolysis bullosa. Last evaluated: 2025-04-17. Review status: criteria provided, single submitter. Criteria: LabCorp Variant Classification Summary - May 2015. Collection method: clinical testing. Allele origin: germline.
Comment: Variant summary: ITGB4 c.3674G>A (p.Arg1225His) results in a non-conservative amino acid change in the encoded protein sequence. Three of four in-silico tools predict a damaging effect of the variant on protein function. The variant was absent in 251260 control chromosomes. c.3674G>A has been observed in the homozygous and presumed compound heterozygous states in multiple individual(s) affected with Junctional Epidermolysis Bullosa with pyloric atresia (example, Dang_2008, Mencia_2016, Nanda_2018). These data indicate that the variant is likely to be associated with disease. At least one publication reports experimental evidence evaluating an impact on protein function. The most pronounced variant effect results in <10% of normal protein expression in a patient skin sample as determined by immunofluorescence (example, Mencia_2016). The following publications have been ascertained in the context of this evaluation (PMID: 18779879, 26739954, 30011071). ClinVar contains an entry for this variant (Variation ID: 14743). Based on the evidence outlined above, the variant was classified as pathogenic.

Department of Pathology and Laboratory Medicine, Sinai Health System
Classification: Likely pathogenic for Junctional epidermolysis bullosa with pyloric atresia. Last evaluated: 2023-03-20. Review status: criteria provided, single submitter. Criteria: ACMG Guidelines, 2015. Collection method: research. Allele origin: germline.

Biomedical Innovation Departament, CIEMAT
Classification: Pathogenic for Epidermolysis bullosa junctionalis with pyloric atresia. Last evaluated: 2011-05-10. Review status: criteria provided, single submitter. Criteria: ACMG Guidelines, 2015. Collection method: research. Allele origin: germline. Affected: yes. Observed: 1 variant allele.

OMIM
Classification: Pathogenic for EPIDERMOLYSIS BULLOSA, JUNCTIONAL 5B, WITH PYLORIC ATRESIA. Last evaluated: 2001-12-01. Review status: no assertion criteria provided. Collection method: literature only. Allele origin: germline. Not counted in ClinVar's aggregate classification.

Literature cited by the submitters: PubMed 18779879 (cited by Women's Health and Genetics/Laboratory Corporation of America, LabCorp); PubMed 26739954 (cited by Women's Health and Genetics/Laboratory Corporation of America, LabCorp); PubMed 30011071 (cited by Women's Health and Genetics/Laboratory Corporation of America, LabCorp); PubMed 11251584 (cited by Biomedical Innovation Departament, CIEMAT); PubMed 11328943 (cited by OMIM); PubMed 11886501 (cited by OMIM).

NM_000213.5(ITGB4):c.3674G>A (p.Arg1225His)

Gene: ITGB4 (integrin subunit beta 4; plus strand). Cytogenetic location: 17q25.1.
Variant type: single nucleotide variant.
Coding change: c.3674G>A on transcript NM_000213.5 (MANE Select); coding-DNA position 3674, G replaced by A.
Protein change: p.Arg1225His; replaces arginine 1225 with histidine.
Molecular consequence: missense variant.
Genome position (GRCh38, 1-based): chr17:75,750,992, G>A. VCF-style: chr17-75750992-G-A. GRCh37 (hg19) VCF-style: chr17-73747073-G-A.
Other names: c.3674G>A, p.Arg1225His (NM_001005619.2, NM_001005731.3, NM_001321123.2); short protein forms R1225H.
Identifiers: ClinVar variation 14743 (VCV000014743.6), dbSNP rs121912468, ClinGen allele CA257310.